The following is an entry in ClinVar:

ClinVar aggregate classification (germline): Pathogenic. Review status: criteria provided, multiple submitters, no conflicts (2 of 4 stars). 5 submissions from 5 submitters: Pathogenic (5). Last evaluated 2023-09-22.

Conditions:
NF1-related disorder. Also called: NF1-related condition. Identifiers: MedGen CN379171.
Neurofibromatosis, type 1 (NF1). Also called: Neurofibromatosis, type I; VON RECKLINGHAUSEN DISEASE; Peripheral type neurofibromatosis; NEUROFIBROMATOSIS, TYPE I, SOMATIC. Identifiers: Orphanet 636, MedGen C0027831, MONDO:0018975, OMIM 162200. Disease mechanism: loss of function.

Submissions (5):

Labcorp Genetics (formerly Invitae), Labcorp
Classification: Pathogenic for Neurofibromatosis, type 1. Last evaluated: 2023-09-22. Review status: criteria provided, single submitter. Criteria: Invitae Variant Classification Sherloc (09022015). Collection method: clinical testing. Allele origin: germline.
Comment: This sequence change creates a premature translational stop signal (p.Gln282*) in the NF1 gene. It is expected to result in an absent or disrupted protein product. Loss-of-function variants in NF1 are known to be pathogenic (PMID: 10712197, 23913538). This variant is not present in population databases (gnomAD no frequency). This premature translational stop signal has been observed in individual(s) with neurofibromatosis type 1 (PMID: 8834249). It has also been observed to segregate with disease in related individuals. ClinVar contains an entry for this variant (Variation ID: 637000). For these reasons, this variant has been classified as Pathogenic.

Centre of Medical Genetics, University Hospital Muenster
Classification: Pathogenic. Last evaluated: 2023-09-04. Review status: criteria provided, single submitter. Criteria: ACMG Guidelines, 2015. Collection method: clinical testing. Allele origin: unknown. Affected: yes. Observed: 1 variant allele, 1 heterozygote.
Comment: ACMG categories: PVS1,PM1,PM2,PP5

Mendelics
Classification: Pathogenic for Neurofibromatosis, type 1. Last evaluated: 2022-05-04. Review status: criteria provided, single submitter. Criteria: Mendelics Assertion Criteria 2019. Collection method: clinical testing. Allele origin: germline.

Genome-Nilou Lab
Classification: Pathogenic for Neurofibromatosis, type 1. Last evaluated: 2022-03-15. Review status: criteria provided, single submitter. Criteria: ACMG Guidelines, 2015. Collection method: clinical testing. Allele origin: germline. Affected: no.

Blueprint Genetics
Classification: Pathogenic for NF1-related disorders. Last evaluated: 2019-03-21. Review status: criteria provided, single submitter. Criteria: ACMG Guidelines, 2015. Collection method: clinical testing. Allele origin: germline. Affected: yes. Observed: 2 variant alleles.

Literature cited by the submitters: PubMed 10712197 (cited by Labcorp Genetics (formerly Invitae), Labcorp); PubMed 23913538 (cited by Labcorp Genetics (formerly Invitae), Labcorp); PubMed 8834249 (cited by Labcorp Genetics (formerly Invitae), Labcorp).

NM_001042492.3(NF1):c.844C>T (p.Gln282Ter)

Gene: NF1 (neurofibromin 1; plus strand). Cytogenetic location: 17q11.2.
Variant type: single nucleotide variant.
Coding change: c.844C>T on transcript NM_001042492.3 (MANE Select); coding-DNA position 844, C replaced by T.
Protein change: p.Gln282Ter; replaces glutamine 282 with a stop codon.
Molecular consequence: nonsense.
Genome position (GRCh38, 1-based): chr17:31,182,621, C>T. VCF-style: chr17-31182621-C-T. GRCh37 (hg19) VCF-style: chr17-29509639-C-T.
Other names: c.844C>T, p.Gln282Ter (NM_000267.4, NM_001128147.3); short protein forms Q282*.
Identifiers: ClinVar variation 637000 (VCV000637000.13), dbSNP rs753054046, ClinGen allele CA398991094.